The following is an entry in ClinVar:

ClinVar aggregate classification (germline): Uncertain significance (1 of 4 stars; one submission).

Submission:

GeneDx
Classification: Uncertain significance. Last evaluated: 2017-06-30. Review status: criteria provided, single submitter. Criteria: GeneDx Variant Classification (06012015). Collection method: clinical testing. Allele origin: germline. Affected: yes.
Comment: The c.793-1G>A variant in the PPP1R12A gene has not been reported previously as a pathogenic variant nor as a benign variant, to our knowledge. This splice site variant destroys the canonical splice acceptor site in intron 5. It is predicted to cause abnormal gene splicing, either leading to an abnormal message that is subject to nonsense-mediated mRNA decay, or to an abnormal protein product if the message is used for protein translation. The c.793-1G>A variant is not observed in large population cohorts (Lek et al., 2016; 1000 Genomes Consortium et al., 2015; Exome Variant Server). Based on currently available evidence, we interpret c.793-1G>A as a variant of uncertain significance.

NM_002480.3(PPP1R12A):c.793-1G>A

Gene: PPP1R12A (protein phosphatase 1 regulatory subunit 12A; minus strand). Cytogenetic location: 12q21.2.
Variant type: single nucleotide variant.
Coding change: c.793-1G>A on transcript NM_002480.3 (MANE Select); the canonical splice acceptor site of the intron before coding-DNA position 793, G replaced by A.
Molecular consequence: splice acceptor variant.
Genome position (GRCh38, 1-based): chr12:79,822,191, C>T on the plus strand (G>A on the coding strand, the complement: PPP1R12A is on the minus strand). VCF-style: chr12-79822191-C-T. GRCh37 (hg19) VCF-style: chr12-80215971-C-T.
Other names: c.793-1G>A (NM_001244992.1, NM_001244990.2, NM_001143885.2); c.532-1G>A (NM_001143886.2).
Identifiers: ClinVar variation 450254 (VCV000450254.2), dbSNP rs1555207204, ClinGen allele CA385851569.